The following is an entry in ClinVar:

ClinVar aggregate classification (germline): Uncertain significance (1 of 4 stars; one submission).

Conditions:
Inborn genetic diseases. Identifiers: MedGen C0950123, MeSH D030342.

Submission:

Ambry Genetics
Classification: Uncertain significance for Inborn genetic diseases. Last evaluated: 2025-01-09. Review status: criteria provided, single submitter. Criteria: Ambry Variant Classification Scheme 2023. Collection method: clinical testing. Allele origin: germline.
Comment: The p.S1026L variant (also known as c.3077C>T), located in coding exon 24 of the ANKRD26 gene, results from a C to T substitution at nucleotide position 3077. The serine at codon 1026 is replaced by leucine, an amino acid with dissimilar properties. This amino acid position is conserved. In addition, this alteration is predicted to be tolerated by in silico analysis. Based on the available evidence, the clinical significance of this variant remains unclear.

NM_014915.3(ANKRD26):c.3077C>T (p.Ser1026Leu)

Gene: ANKRD26 (ankyrin repeat domain containing 26; minus strand). Cytogenetic location: 10p12.1.
Variant type: single nucleotide variant.
Coding change: c.3077C>T on transcript NM_014915.3 (MANE Select); coding-DNA position 3077, C replaced by T.
Protein change: p.Ser1026Leu; replaces serine 1026 with leucine.
Molecular consequence: missense variant.
Genome position (GRCh38, 1-based): chr10:27,035,373, G>A on the plus strand (C>T on the coding strand, the complement: ANKRD26 is on the minus strand). VCF-style: chr10-27035373-G-A. GRCh37 (hg19) VCF-style: chr10-27324302-G-A.
Other names: c.3074C>T, p.Ser1025Leu (NM_001256053.2); short protein forms S1026L, S1025L.
Identifiers: ClinVar variation 3870225 (VCV003870225.1).